The following is an entry in ClinVar:

ClinVar aggregate classification (germline): Uncertain significance (1 of 4 stars; one submission).

Conditions:
Hereditary hyperekplexia. Identifiers: Orphanet 3197, MedGen C4084968, MONDO:0021022.

Submission:

Labcorp Genetics (formerly Invitae), Labcorp
Classification: Uncertain significance for Hereditary hyperekplexia. Last evaluated: 2024-01-16. Review status: criteria provided, single submitter. Criteria: Invitae Variant Classification Sherloc (09022015). Collection method: clinical testing. Allele origin: unknown.
Comment: This variant is a gross deletion of the genomic region encompassing exon(s) 8 of the GLRA1 gene. This variant would be expected to be in-frame, preserving the integrity of the reading frame. This variant has not been reported in the literature in individuals affected with GLRA1-related conditions. Experimental studies and prediction algorithms are not available or were not evaluated, and the functional significance of this variant is currently unknown. In summary, the available evidence is currently insufficient to determine the role of this variant in disease. Therefore, it has been classified as a Variant of Uncertain Significance.

NC_000005.9:g.(?_151208462)_(151208648_?)del

Gene: GLRA1 (glycine receptor alpha 1; minus strand). Cytogenetic location: 5q33.1.
Variant type: Deletion.
Identifiers: ClinVar variation 3246324 (VCV003246324.1).